The following is an entry in ClinVar:

ClinVar aggregate classification (germline): Uncertain significance (1 of 4 stars; one submission).

Conditions:
Congenital myasthenic syndrome 8. Also called: MYASTHENIC SYNDROME, CONGENITAL, DUE TO AGRIN DEFICIENCY; Myasthenic syndrome, congenital, 8, with pre- and postsynaptic defects. Identifiers: Orphanet 590, MedGen C3808739, MONDO:0014052, OMIM 615120.

Submission:

Labcorp Genetics (formerly Invitae), Labcorp
Classification: Uncertain significance for Congenital myasthenic syndrome 8. Last evaluated: 2021-05-31. Review status: criteria provided, single submitter. Criteria: Invitae Variant Classification Sherloc (09022015). Collection method: clinical testing. Allele origin: germline.
Comment: This variant, c.5315_5317del, results in the deletion of 1 amino acid(s) of the AGRN protein (p.Ser1772del), but otherwise preserves the integrity of the reading frame. This variant is not present in population databases (ExAC no frequency). This variant has not been reported in the literature in individuals with AGRN-related conditions. Experimental studies and prediction algorithms are not available or were not evaluated, and the functional significance of this variant is currently unknown. In summary, the available evidence is currently insufficient to determine the role of this variant in disease. Therefore, it has been classified as a Variant of Uncertain Significance.

NM_198576.4(AGRN):c.5315_5317del (p.Ser1772del)

Gene: AGRN (agrin; plus strand). Cytogenetic location: 1p36.33.
Variant type: Deletion.
Coding change: c.5315_5317del on transcript NM_198576.4 (MANE Select); coding-DNA positions 5315 to 5317, 3 bases deleted (GCA; older notation c.5315_5317delGCA).
Protein change: p.Ser1772del; deletes serine 1772.
Molecular consequence: inframe deletion.
Genome position (GRCh38, 1-based): chr1:1,051,314-1,051,316, GCA deleted; deleting any 3 consecutive bases within chr1:1,051,312-1,051,316 gives the same sequence; the c. name uses the placement nearest the transcript's 3' end. VCF-style (leftmost placement, unchanged base first): chr1-1051311-TCAG-T. GRCh37 (hg19) VCF-style: chr1-986691-TCAG-T.
Other names: c.5327_5329del, p.Ser1776del (NM_001305275.2); c.5012_5014del, p.Ser1671del (NM_001364727.2); short protein forms S1772del, S1671del, S1776del.
Identifiers: ClinVar variation 1385315 (VCV001385315.8), dbSNP rs1302115581, ClinGen allele CA520626648.